The following is an entry in ClinVar:

NM_006440.5(TXNRD2):c.591+66G>A

Gene: TXNRD2 (thioredoxin reductase 2; minus strand). Cytogenetic location: 22q11.21.
Variant type: single nucleotide variant.
Coding change: c.591+66G>A on transcript NM_006440.5 (MANE Select); 66 bases into the intron after coding-DNA position 591, G replaced by A.
Molecular consequence: intron variant.
Genome position (GRCh38, 1-based): chr22:19,915,148, C>T on the plus strand (G>A on the coding strand, the complement: TXNRD2 is on the minus strand). VCF-style: chr22-19915148-C-T. GRCh37 (hg19) VCF-style: chr22-19902671-C-T.
Other names: c.588+66G>A (NM_001352300.2); c.303+66G>A (NM_001352302.2); c.501+66G>A (NM_001352301.2); c.591+66G>A (NM_001282512.3); c.495+66G>A (NM_001352303.2).
Identifiers: ClinVar variation 678645 (VCV000678645.2), dbSNP rs16982755, ClinGen allele CA14963923.

ClinVar aggregate classification (germline): Benign. Review status: criteria provided, multiple submitters, no conflicts (2 of 4 stars). 2 submissions from 2 submitters: Benign (2). Last evaluated 2018-06-19.

Allele frequency attached by ClinVar (database versions not stated): gnomAD 0.05072 and 0.05186; TOPMed 0.05439; ESP Exome Variant Server 0.05650; 1000 Genomes Project 0.05851; 1000 Genomes Project 30x 0.06012; gnomAD exomes 0.05174.
gnomAD v4.1: 77,183 of 1,493,406 alleles (5.2%); highest among the groups gnomAD compares: South Asian, 8.5%; 2,237 homozygotes.

Submissions (2):

GeneDx
Classification: Benign. Last evaluated: 2018-06-19. Review status: criteria provided, single submitter. Criteria: GeneDx Variant Classification (06012015). Collection method: clinical testing. Allele origin: germline. Affected: yes.
Comment: This variant is considered likely benign or benign based on one or more of the following criteria: it is a conservative change, it occurs at a poorly conserved position in the protein, it is predicted to be benign by multiple in silico algorithms, and/or has population frequency not consistent with disease.

Breakthrough Genomics
Classification: Benign. Review status: criteria provided, single submitter. Criteria: ACMG Guidelines, 2015. Collection method: not provided. Allele origin: germline. Inheritance: Autosomal recessive inheritance. Affected: yes.